The following is an entry in ClinVar:

NM_000535.7(PMS2):c.480G>A (p.Gln160=)

Gene: PMS2 (PMS1 homolog 2, mismatch repair system component; minus strand). Cytogenetic location: 7p22.1.
Variant type: single nucleotide variant.
Coding change: c.480G>A on transcript NM_000535.7 (MANE Select); coding-DNA position 480, G replaced by A.
Protein change: p.Gln160=; no amino-acid change (glutamine 160 retained).
Molecular consequence: synonymous variant. On other transcripts: 5 prime UTR variant (2), non-coding transcript variant (1).
Genome position (GRCh38, 1-based): chr7:6,002,510, C>T on the plus strand (G>A on the coding strand, the complement: PMS2 is on the minus strand). VCF-style: chr7-6002510-C-T. GRCh37 (hg19) VCF-style: chr7-6042141-C-T.
Other names: c.75G>A, p.Gln25= (NM_001322003.2, NM_001322004.2, NM_001322005.2 and 3 more transcripts); c.480G>A, p.Gln160= (NM_001322006.2, NM_001322014.2); c.162G>A, p.Gln54= (NM_001322007.2, NM_001322008.2); c.-405G>A (NM_001322011.2, NM_001322012.2); c.171G>A, p.Gln57= (NM_001322015.2).
Identifiers: ClinVar variation 486040 (VCV000486040.32), dbSNP rs1426242773, ClinGen allele CA453647630.

ClinVar aggregate classification (germline): Benign/Likely benign. Review status: criteria provided, multiple submitters, no conflicts (2 of 4 stars). 5 submissions from 5 submitters: Benign (1); Likely benign (3). 1 of the submissions does not count toward it. Last evaluated 2025-09-01.

Conditions:
Hereditary nonpolyposis colorectal neoplasms. Identifiers: MedGen C0009405, MeSH D003123.
Hereditary cancer-predisposing syndrome. Also called: Tumor predisposition; Hereditary Cancer Syndrome; Hereditary neoplastic syndrome; Neoplastic Syndromes, Hereditary. Identifiers: Orphanet 140162, MedGen C0027672, MeSH D009386, MONDO:0015356.
Malignant tumor of breast. Also called: Cancer breast; Malignant breast neoplasm. Identifiers: MedGen C0006142, MONDO:0007254. Disease mechanism: loss of function.
Lynch syndrome 4 (LYNCH4). Also called: Colorectal cancer, hereditary nonpolyposis, type 4; Hereditary non-polyposis colorectal cancer, type 4. Identifiers: Orphanet 144, MedGen C1838333, MONDO:0013699, OMIM 614337. Disease mechanism: loss of function.

Allele frequency attached by ClinVar (database versions not stated): gnomAD exomes below 0.00001 and 0.00001.
gnomAD v4.1: 2 of 1,611,740 alleles (0.00012%); highest among the groups gnomAD compares: Non-Finnish European, 0.00017%; no homozygotes.

Submissions (5):

Labcorp Genetics (formerly Invitae), Labcorp
Classification: Likely benign for Hereditary nonpolyposis colorectal neoplasms. Last evaluated: 2025-09-01. Review status: criteria provided, single submitter. Criteria: Invitae Variant Classification Sherloc (09022015). Collection method: clinical testing. Allele origin: germline.

Myriad Genetics, Inc.
Classification: Benign for Lynch syndrome 4. Last evaluated: 2025-01-27. Review status: criteria provided, single submitter. Criteria: Myriad Autosomal Dominant, Autosomal Recessive and X-Linked Classification Criteria (2023). Collection method: clinical testing. Allele origin: unknown.
Comment: This variant is considered benign. This variant is a silent/synonymous amino acid change and it is not expected to impact splicing.

Ambry Genetics
Classification: Likely benign for Hereditary cancer-predisposing syndrome. Last evaluated: 2017-09-07. Review status: criteria provided, single submitter. Criteria: Ambry Variant Classification Scheme 2023. Collection method: clinical testing. Allele origin: germline.

Color Diagnostics, LLC DBA Color Health
Classification: Likely benign for Hereditary cancer-predisposing syndrome. Last evaluated: 2017-06-09. Review status: criteria provided, single submitter. Criteria: ACMG Guidelines, 2015. Collection method: clinical testing. Allele origin: germline.

Department of Pathology and Laboratory Medicine, Sinai Health System
Classification: Likely benign for Malignant tumor of breast. Review status: no assertion criteria provided. Collection method: clinical testing. Allele origin: unknown. Affected: yes. Study: The Canadian Open Genetics Repository (COGR). Not counted in ClinVar's aggregate classification.
Comment: The PMS2 p.Gln160= variant was not identified in the literature. The variant was identified in dbSNP (rs1426242773) and ClinVar (classified as likely benign by Color and Ambry Genetics). The variant was identified in control databases in 2 of 245,596 chromosomes at a frequency of 0.000008 (Genome Aggregation Database Feb 27, 2017). The variant was observed in the European population in 2 of 111,270 chromosomes (freq: 0.00002), but not in the African, Other, Latino, Ashkenazi Jewish, East Asian, Finnish or South Asian populations. The p.Gln160= variant is not expected to have clinical significance because it does not result in a change of amino acid and is not located in a known consensus splice site. The variant occurs at a non-highly conserved nucleotide outside of the splicing consensus sequence and in silico or computational prediction software programs (SpliceSiteFinder, MaxEntScan, NNSPLICE, GeneSplicer) do not predict a difference in splicing. In summary, based on the above information, the clinical significance of this variant cannot be determined with certainty at this time although we would lean towards a more benign role for this variant. This variant is classified as likely benign.